The following is an entry in ClinVar:

ClinVar aggregate classification (germline): Uncertain significance. Review status: criteria provided, multiple submitters, no conflicts (2 of 4 stars). 4 submissions from 4 submitters: Uncertain significance (3). 1 of the submissions does not count toward it. Last evaluated 2023-03-15.

Conditions:
Nemaline myopathy 2 (NEM2). Also called: Nemaline myopathy 2, autosomal recessive. Identifiers: MedGen C1850569, MONDO:0009725, OMIM 256030.

Allele frequency attached by ClinVar (database versions not stated): gnomAD exomes 0.00001; gnomAD 0.00007; TOPMed 0.00007; 1000 Genomes Project 0.00020; 1000 Genomes Project 30x 0.00047.
gnomAD v4.1: 35 of 1,593,398 alleles (0.0022%); highest among the groups gnomAD compares: African/African-American, 0.02%; no homozygotes.

Submissions (4):

Revvity Omics, Revvity
Classification: Uncertain significance. Last evaluated: 2023-03-15. Review status: criteria provided, single submitter. Criteria: ACMG Guidelines, 2015. Collection method: clinical testing. Allele origin: germline.

Labcorp Genetics (formerly Invitae), Labcorp
Classification: Uncertain significance for Nemaline myopathy 2. Last evaluated: 2022-08-20. Review status: criteria provided, single submitter. Criteria: Invitae Variant Classification Sherloc (09022015). Collection method: clinical testing. Allele origin: germline.
Comment: This sequence change replaces arginine, which is basic and polar, with cysteine, which is neutral and slightly polar, at codon 5675 of the NEB protein (p.Arg5675Cys). The frequency data for this variant in the population databases is considered unreliable, as metrics indicate poor data quality at this position in the gnomAD database. This variant has not been reported in the literature in individuals affected with NEB-related conditions. ClinVar contains an entry for this variant (Variation ID: 939003). Algorithms developed to predict the effect of missense changes on protein structure and function are either unavailable or do not agree on the potential impact of this missense change (SIFT: "Deleterious"; PolyPhen-2: "Not Available"; Align-GVGD: "Class C0"). In summary, the available evidence is currently insufficient to determine the role of this variant in disease. Therefore, it has been classified as a Variant of Uncertain Significance.

Women's Health and Genetics/Laboratory Corporation of America, LabCorp
Classification: Uncertain significance. Last evaluated: 2022-08-11. Review status: criteria provided, single submitter. Criteria: LabCorp Variant Classification Summary - May 2015. Collection method: clinical testing. Allele origin: germline.
Comment: Variant summary: NEB c.17023C>T (p.Arg5675Cys) results in a non-conservative amino acid change in the encoded protein sequence. Three of four in-silico tools predict a damaging effect of the variant on protein function. The variant allele was found at a frequency of 9.4e-06 in 213292 control chromosomes (gnomAD). The available data on variant occurrences in the general population are insufficient to allow any conclusion about variant significance. To our knowledge, no occurrence of c.17023C>T in individuals affected with Nemaline Myopathy 2 or other NEB-related disorders and no experimental evidence demonstrating its impact on protein function have been reported. Two clinical diagnostic laboratories have submitted clinical-significance assessments for this variant to ClinVar after 2014 and both classified the variant as uncertain significance. Based on the evidence outlined above, the variant was classified as uncertain significance.

Natera, Inc.
Classification: Uncertain significance for Nemaline myopathy type 2. Last evaluated: 2020-02-21. Review status: no assertion criteria provided. Collection method: clinical testing. Allele origin: germline. Not counted in ClinVar's aggregate classification.

NM_001164508.2(NEB):c.17023C>T (p.Arg5675Cys)

Gene: NEB (nebulin; minus strand). Cytogenetic location: 2q23.3.
Variant type: single nucleotide variant.
Coding change: c.17023C>T on transcript NM_001164508.2 (MANE Select); coding-DNA position 17023, C replaced by T.
Protein change: p.Arg5675Cys; replaces arginine 5675 with cysteine.
Molecular consequence: missense variant.
Genome position (GRCh38, 1-based): chr2:151,570,592, G>A on the plus strand (C>T on the coding strand, the complement: NEB is on the minus strand). VCF-style: chr2-151570592-G-A. GRCh37 (hg19) VCF-style: chr2-152427106-G-A.
Other names: c.17023C>T, p.Arg5675Cys (NM_001164507.2, NM_001271208.2); c.11920C>T, p.Arg3974Cys (NM_004543.5); short protein forms R3974C, R5675C.
Identifiers: ClinVar variation 939003 (VCV000939003.10), dbSNP rs547231033, ClinGen allele CA57663973.